The following is an entry in ClinVar:

NM_173560.4(RFX6):c.2199G>T (p.Gln733His)

Gene: RFX6 (regulatory factor X6; plus strand). Cytogenetic location: 6q22.1.
Variant type: single nucleotide variant.
Coding change: c.2199G>T on transcript NM_173560.4 (MANE Select); coding-DNA position 2199, G replaced by T.
Protein change: p.Gln733His; replaces glutamine 733 with histidine.
Molecular consequence: missense variant.
Genome position (GRCh38, 1-based): chr6:116,927,340, G>T. VCF-style: chr6-116927340-G-T. GRCh37 (hg19) VCF-style: chr6-117248503-G-T.
Other names: short protein forms Q733H.
Identifiers: ClinVar variation 4985076 (VCV004985076.1).
Genomic context (GRCh38, chr6:116,927,340, plus strand): 5'-CACATCAGGACTCTATCCTCATCACACCGAGCATGGTCGATGCATGGCTTGGACTGAACA[G>T]CAGCTTTCAAGAGACTTCTTCAGTGGCAGCTGTGCGGGGTCTCCATATAACTCCCGGCCA-3'
Protein context (NP_775831.2, residues 723-743): EHGRCMAWTE[Gln733His]QLSRDFFSGS

ClinVar aggregate classification (germline): Uncertain significance (1 of 4 stars; one submission).

Conditions:
RFX6-related disorder. Also called: RFX6-related condition.

Submission:

PreventionGenetics, part of Exact Sciences
Classification: Uncertain significance for RFX6-related condition. Last evaluated: 2026-09-17. Review status: criteria provided, single submitter. Criteria: ACMG Guidelines, 2015. Collection method: clinical testing. Allele origin: germline.
Comment: The RFX6 c.2199G>T variant is predicted to result in the amino acid substitution p.Gln733His. To our knowledge, this variant has not been reported in the literature or in a large population database (gnomAD), indicating this variant is rare. At this time, the clinical significance of this variant is uncertain due to the absence of conclusive functional and genetic evidence.